The following is an entry in ClinVar:

ClinVar aggregate classification (germline): Uncertain significance (1 of 4 stars; one submission).

gnomAD v4.1: 3 of 1,601,736 alleles (0.00019%); highest among the groups gnomAD compares: African/African-American, 0.0013%; no homozygotes.

Submission:

GeneDx
Classification: Uncertain significance. Last evaluated: 2025-04-30. Review status: criteria provided, single submitter. Criteria: GeneDx Variant Classification Process June 2021. Collection method: clinical testing. Allele origin: germline. Affected: yes.
Comment: Not observed at significant frequency in large population cohorts (gnomAD); Has not been previously published as pathogenic or benign to our knowledge; In silico analysis does not support a benign or deleterious effect of this variant on protein structure/function

NM_153676.4(USH1C):c.1643T>C (p.Leu548Ser)

Gene: USH1C (USH1 protein network component harmonin; minus strand). Cytogenetic location: 11p15.1.
Variant type: single nucleotide variant.
Coding change: c.1643T>C on transcript NM_153676.4 (MANE Select); coding-DNA position 1643, T replaced by C.
Protein change: p.Leu548Ser; replaces leucine 548 with serine.
Molecular consequence: missense variant. On other transcripts: intron variant (11).
Genome position (GRCh38, 1-based): chr11:17,509,726, A>G on the plus strand (T>C on the coding strand, the complement: USH1C is on the minus strand). VCF-style: chr11-17509726-A-G. GRCh37 (hg19) VCF-style: chr11-17531273-A-G.
Other names: c.1470+2176T>C (NM_001440679.1); c.1227+7675T>C (NM_001297764.2); c.1210+11144T>C (NM_001440687.1); c.1413+2176T>C (NM_001440681.1); c.1284+7675T>C (NM_001440685.1, NM_005709.4, NM_001440682.1); c.1285-5029T>C (NM_001440683.1); c.1437+2176T>C (NM_001440680.1); c.1260+7675T>C (NM_001440686.1); and 1 more; short protein forms L548S.
Identifiers: ClinVar variation 4527751 (VCV004527751.1).
Genomic context (GRCh38, chr11:17,509,726, plus strand): 5'-GGAGGGTGGGGCATCACAGGCAAGGCAGAGGGAGTCTTGGGGGGATAGTAGAACATGTCC[A>G]AAGGGATGTCGTCCAGGTCAGTGGTGTGCAGGTGCAGTCCGCCTGCGAAGCGTCTCAAGG-3'
Protein context (NP_710142.1, residues 538-558): LHTTDLDDIP[Leu548Ser]DMFYYPPKTP